The following is an entry in ClinVar:

ClinVar aggregate classification (germline): Benign (1 of 4 stars; one submission).

Submission:

Women's Health and Genetics/Laboratory Corporation of America, LabCorp
Classification: Benign. Last evaluated: 2024-09-27. Review status: criteria provided, single submitter. Criteria: LabCorp Variant Classification Summary - May 2015. Collection method: clinical testing. Allele origin: germline.
Comment: Variant summary: The variant involves the duplication of exons 1-3 in the TFG gene. A presumed nomenclature of c.(?_-272)_(268+1_269-1)dup has been designated for the purposes of this classification. It is assumed to be a tandem duplication in direct orientation (PMIDs: 25640679, 30054569). The exact breakpoint at the 5' end of this variant is unknown, therefore this duplication may extend upstream of the annotated region of this gene. It is predicted to duplicate a segment including the initiation codon (located in exon 2), therefore its impact on the encoded protein is unknown. A large duplication variant (size: ~111 kbp) which covers exons 1-3 of the TFG gene was found at a frequency of 0.01 in 125184 control chromosomes in the gnomAD database (Structural Variants v4.1 dataset), including 265 homozygotes. The observed variant frequency is approximately 9-fold of the estimated maximal expected allele frequency for a pathogenic variant in TFG causing Hereditary spastic paraplegia 57 phenotype (0.0011). The duplication of the first two coding exons of the TFG gene has been reported in the literature in individuals affected with Charcot-Marie-Tooth disease (Bacquet_2018), however a co-occurrence with another pathogenic variant (LITAF c.334G>A, p.Gly112Ser) could explain the phenotype in one of these patients, providing supporting evidence for a benign role. The following publication have been ascertained in the context of this evaluation (PMID: 30373780). ClinVar contains an entry for this variant (Variation ID: 1598184). Based on the evidence outlined above, similar large duplication variants (~111 kbp) which cover exons 1-3 of the TFG gene were classified as benign.

Literature cited by the submitters: PubMed 30373780.

NC_000003.11:g.(?_100428337)_(100438903_100447555)dup

Gene: TFG (trafficking from ER to golgi regulator; plus strand). Cytogenetic location: 3q12.2.
Variant type: Duplication.
Identifiers: ClinVar variation 3375106 (VCV003375106.1).